The following is an entry in ClinVar:

ClinVar aggregate classification (germline): Uncertain significance. Review status: criteria provided, multiple submitters, no conflicts (2 of 4 stars). 3 submissions from 3 submitters: Uncertain significance (3). Last evaluated 2026-01-27.

Conditions:
Hereditary cancer-predisposing syndrome. Also called: Hereditary Cancer Syndrome; Hereditary neoplastic syndrome; Neoplastic Syndromes, Hereditary; Tumor predisposition. Identifiers: Orphanet 140162, MedGen C0027672, MeSH D009386, MONDO:0015356.

Allele frequency attached by ClinVar (database versions not stated): TOPMed below 0.00001.

Submissions (3):

Labcorp Genetics (formerly Invitae), Labcorp
Classification: Uncertain significance. Last evaluated: 2026-01-27. Review status: criteria provided, single submitter. Criteria: Invitae Variant Classification Sherloc (09022015). Collection method: clinical testing. Allele origin: germline.
Comment: This sequence change replaces threonine, which is neutral and polar, with isoleucine, which is neutral and non-polar, at codon 480 of the MSH3 protein (p.Thr480Ile). This variant is not present in population databases (gnomAD no frequency). This variant has not been reported in the literature in individuals affected with MSH3-related conditions. ClinVar contains an entry for this variant (Variation ID: 1448038). An algorithm developed to predict the effect of missense changes on protein structure and function outputs the following: PolyPhen-2: "Benign". The isoleucine amino acid residue is found in multiple mammalian species, which suggests that this missense change does not adversely affect protein function. In summary, the available evidence is currently insufficient to determine the role of this variant in disease. Therefore, it has been classified as a Variant of Uncertain Significance.

Ambry Genetics
Classification: Uncertain significance for Hereditary cancer-predisposing syndrome. Last evaluated: 2023-07-27. Review status: criteria provided, single submitter. Criteria: Ambry Variant Classification Scheme 2023. Collection method: clinical testing. Allele origin: germline.
Comment: The p.T480I variant (also known as c.1439C>T), located in coding exon 9 of the MSH3 gene, results from a C to T substitution at nucleotide position 1439. The threonine at codon 480 is replaced by isoleucine, an amino acid with similar properties. This amino acid position is conserved. In addition, this alteration is predicted to be tolerated by in silico analysis. Since supporting evidence is limited at this time, the clinical significance of this alteration remains unclear.

GeneDx
Classification: Uncertain significance. Last evaluated: 2022-11-01. Review status: criteria provided, single submitter. Criteria: GeneDx Variant Classification Process June 2021. Collection method: clinical testing. Allele origin: germline. Affected: yes.
Comment: Not observed at significant frequency in large population cohorts (gnomAD); In silico analysis supports that this missense variant does not alter protein structure/function; Has not been previously published as pathogenic or benign to our knowledge

NM_002439.5(MSH3):c.1439C>T (p.Thr480Ile)

Gene: MSH3 (mutS homolog 3; plus strand). Cytogenetic location: 5q14.1.
Variant type: single nucleotide variant.
Coding change: c.1439C>T on transcript NM_002439.5 (MANE Select); coding-DNA position 1439, C replaced by T.
Protein change: p.Thr480Ile; replaces threonine 480 with isoleucine.
Molecular consequence: missense variant.
Genome position (GRCh38, 1-based): chr5:80,725,551, C>T. VCF-style: chr5-80725551-C-T. GRCh37 (hg19) VCF-style: chr5-80021370-C-T.
Other names: c.1439C>T (NM_002439.4, NM_002439.3); short protein forms T480I.
Identifiers: ClinVar variation 1448038 (VCV001448038.8), dbSNP rs1580587510, ClinGen allele CA360273718.